The following is an entry in ClinVar:

NM_177438.3(DICER1):c.1442G>A (p.Gly481Glu)

Gene: DICER1 (dicer 1, ribonuclease III; minus strand). Cytogenetic location: 14q32.13.
Variant type: single nucleotide variant.
Coding change: c.1442G>A on transcript NM_177438.3 (MANE Select); coding-DNA position 1442, G replaced by A.
Protein change: p.Gly481Glu; replaces glycine 481 with glutamic acid.
Molecular consequence: missense variant.
Genome position (GRCh38, 1-based): chr14:95,117,689, C>T on the plus strand (G>A on the coding strand, the complement: DICER1 is on the minus strand). VCF-style: chr14-95117689-C-T. GRCh37 (hg19) VCF-style: chr14-95584026-C-T.
Other names: c.1442G>A, p.Gly481Glu (NM_001195573.1, NM_001271282.3, NM_001291628.2 and 1 more transcripts); short protein forms G481E.
Identifiers: ClinVar variation 1475690 (VCV001475690.7), dbSNP rs1307281391, ClinGen allele CA390885560.

ClinVar aggregate classification (germline): Uncertain significance (1 of 4 stars; one submission).

Conditions:
DICER1-related tumor predisposition. Also called: DICER1-related pleuropulmonary blastoma cancer predisposition syndrome; DICER1 syndrome. Identifiers: Orphanet 284343, MedGen C3839822, MONDO:0100216.

Submission:

Labcorp Genetics (formerly Invitae), Labcorp
Classification: Uncertain significance for DICER1-related tumor predisposition. Last evaluated: 2022-01-27. Review status: criteria provided, single submitter. Criteria: Invitae Variant Classification Sherloc (09022015). Collection method: clinical testing. Allele origin: germline.
Comment: In summary, the available evidence is currently insufficient to determine the role of this variant in disease. Therefore, it has been classified as a Variant of Uncertain Significance. Algorithms developed to predict the effect of missense changes on protein structure and function are either unavailable or do not agree on the potential impact of this missense change (SIFT: "Deleterious"; PolyPhen-2: "Probably Damaging"; Align-GVGD: "Class C0"). This variant has not been reported in the literature in individuals affected with DICER1-related conditions. This variant is not present in population databases (gnomAD no frequency). This sequence change replaces glycine, which is neutral and non-polar, with glutamic acid, which is acidic and polar, at codon 481 of the DICER1 protein (p.Gly481Glu).